The following is an entry in ClinVar:

NM_198503.5(KCNT2):c.1857G>T (p.Glu619Asp)

Gene: KCNT2 (potassium sodium-activated channel subfamily T member 2; minus strand). Cytogenetic location: 1q31.3.
Variant type: single nucleotide variant.
Coding change: c.1857G>T on transcript NM_198503.5 (MANE Select); coding-DNA position 1857, G replaced by T.
Protein change: p.Glu619Asp; replaces glutamic acid 619 with aspartic acid.
Molecular consequence: missense variant. On other transcripts: non-coding transcript variant (2).
Genome position (GRCh38, 1-based): chr1:196,333,987, C>A on the plus strand (G>T on the coding strand, the complement: KCNT2 is on the minus strand). VCF-style: chr1-196333987-C-A. GRCh37 (hg19) VCF-style: chr1-196303117-C-A.
Other names: c.1857G>T, p.Glu619Asp (NM_001287819.3); c.1707G>T, p.Glu569Asp (NM_001287820.3); short protein forms E569D, E619D.
Identifiers: ClinVar variation 4849719 (VCV004849719.1).
Genomic context (GRCh38, chr1:196,333,987, plus strand): 5'-TGATGTATCTGCAACCTCTAAAACAGGAGCAATGCTAGGTCTTCTTATTTCTTTGCTTCC[C>A]TCTGTAGGAAGAGACAGGGTAGGGCCACTTGCTGATCTACAGCTTGTATCTTGCAAGTCT-3'
Protein context (NP_940905.2, residues 609-629): ASGPTLSLPT[Glu619Asp]GSKEIRRPSI

ClinVar aggregate classification (germline): Uncertain significance (1 of 4 stars; one submission).

Conditions:
Developmental and epileptic encephalopathy, 57. Also called: EPILEPTIC ENCEPHALOPATHY, EARLY INFANTILE, 57. Identifiers: MedGen C4540411, MONDO:0033366, OMIM 617771.

Submission:

Diagnostics Services (NGS), CSIR - Centre For Cellular And Molecular Biology
Classification: Uncertain significance for Developmental and epileptic encephalopathy, 57. Last evaluated: 2026-03-18. Review status: criteria provided, single submitter. Criteria: ACMG Guidelines, 2015. Collection method: clinical testing. Allele origin: germline. Affected: yes. Observed: 1 variant allele, 1 heterozygote.
Comment: The c.1857G>T variant is not present in publicly available population databases like 1000 Genomes, EVS, gnomAD, Indian Exome Database or our internal database. This variant has neither been reported in the literature in individuals affected with KCNT2-related conditions nor reported to the clinical databases like Human Genome Mutation Database (HGMD), ClinVar or OMIM in any affected individuals. In-silico pathogenicity prediction programs like MutationTaster2, CADD, etc predicted this variant to be likely deleterious however these predictions were not confirmed by published functional studies.